The following is an entry in ClinVar:

NM_014444.5(TUBGCP4):c.1615C>T (p.Gln539Ter)

Gene: TUBGCP4 (tubulin gamma complex component 4; plus strand). Cytogenetic location: 15q15.3.
Variant type: single nucleotide variant.
Coding change: c.1615C>T on transcript NM_014444.5 (MANE Select); coding-DNA position 1615, C replaced by T.
Protein change: p.Gln539Ter; replaces glutamine 539 with a stop codon.
Molecular consequence: nonsense.
Genome position (GRCh38, 1-based): chr15:43,401,734, C>T. VCF-style: chr15-43401734-C-T. GRCh37 (hg19) VCF-style: chr15-43693932-C-T.
Other names: c.1618C>T, p.Gln540Ter (NM_001286414.3); short protein forms Q539*, Q540*.
Identifiers: ClinVar variation 1073583 (VCV001073583.9), dbSNP rs1327512768, ClinGen allele CA392137348.

ClinVar aggregate classification (germline): Pathogenic/Likely pathogenic. Review status: criteria provided, multiple submitters, no conflicts (2 of 4 stars). 2 submissions from 2 submitters: Pathogenic (1); Likely pathogenic (1). Last evaluated 2023-05-15.

Conditions:
Microcephaly and chorioretinopathy 3. Also called: Microcephaly and chorioretinopathy, autosomal recessive, 3. Identifiers: MedGen C4225362, MONDO:0014592, OMIM 616335.

Allele frequency attached by ClinVar (database versions not stated): gnomAD exomes below 0.00001 and 0.00001; TOPMed below 0.00001.
gnomAD v4.1: 1 of 1,614,126 alleles (0.000062%); highest among the groups gnomAD compares: East Asian, 0.0022%; no homozygotes.

Submissions (2):

Labcorp Genetics (formerly Invitae), Labcorp
Classification: Pathogenic. Last evaluated: 2023-05-15. Review status: criteria provided, single submitter. Criteria: Invitae Variant Classification Sherloc (09022015). Collection method: clinical testing. Allele origin: germline.
Comment: For these reasons, this variant has been classified as Pathogenic. ClinVar contains an entry for this variant (Variation ID: 1073583). This variant has not been reported in the literature in individuals affected with TUBGCP4-related conditions. This variant is present in population databases (no rsID available, gnomAD 0.02%). This sequence change creates a premature translational stop signal (p.Gln540*) in the TUBGCP4 gene. It is expected to result in an absent or disrupted protein product. Loss-of-function variants in TUBGCP4 are known to be pathogenic (PMID: 25817018).

Juno Genomics, Hangzhou Juno Genomics, Inc
Classification: Likely pathogenic for Microcephaly and chorioretinopathy 3. Review status: criteria provided, single submitter. Criteria: ACMG Guidelines, 2015. Collection method: clinical testing. Allele origin: germline.
Comment: Null variant in a gene where loss of function (LOF) is a known mechanism of disease.;Absent from controls (or at extremely low frequency if recessive) in Genome Aggregation Database.

Literature cited by the submitters: PubMed 25817018 (cited by Labcorp Genetics (formerly Invitae), Labcorp).